The following is an entry in ClinVar:

ClinVar aggregate classification (germline): Uncertain significance (1 of 4 stars; one submission).

Submission:

Labcorp Genetics (formerly Invitae), Labcorp
Classification: Uncertain significance. Last evaluated: 2022-08-03. Review status: criteria provided, single submitter. Criteria: Invitae Variant Classification Sherloc (09022015). Collection method: clinical testing. Allele origin: germline.
Comment: In summary, the available evidence is currently insufficient to determine the role of this variant in disease. Therefore, it has been classified as a Variant of Uncertain Significance. Algorithms developed to predict the effect of missense changes on protein structure and function (SIFT, PolyPhen-2, Align-GVGD) all suggest that this variant is likely to be tolerated. This variant has not been reported in the literature in individuals affected with DIAPH3-related conditions. This variant is not present in population databases (gnomAD no frequency). This sequence change replaces histidine, which is basic and polar, with tyrosine, which is neutral and polar, at codon 216 of the DIAPH3 protein (p.His216Tyr).

NM_001042517.2(DIAPH3):c.646C>T (p.His216Tyr)

Genes: DIAPH3 (diaphanous related formin 3; minus strand), DIAPH3-AS1 (DIAPH3 antisense RNA 1; plus strand). Cytogenetic location: 13q21.2.
Variant type: single nucleotide variant.
Coding change: c.646C>T on transcript NM_001042517.2 (MANE Select); coding-DNA position 646, C replaced by T.
Protein change: p.His216Tyr; replaces histidine 216 with tyrosine.
Molecular consequence: missense variant.
Genome position (GRCh38, 1-based): chr13:60,016,126, G>A on the plus strand (C>T on the coding strand, the complement: DIAPH3 is on the minus strand). VCF-style: chr13-60016126-G-A. GRCh37 (hg19) VCF-style: chr13-60590260-G-A.
Other names: c.613C>T, p.His205Tyr (NM_001258366.2); c.508C>T, p.His170Tyr (NM_001258367.2); c.436C>T, p.His146Tyr (NM_001258368.2); c.646C>T, p.His216Tyr (NM_001258369.2); short protein forms H146Y, H170Y, H205Y, H216Y.
Identifiers: ClinVar variation 1713662 (VCV001713662.5), dbSNP rs770042088, ClinGen allele CA388336641.